The following is an entry in ClinVar:

ClinVar aggregate classification (germline): Benign (1 of 4 stars; one submission).

Allele frequency attached by ClinVar (database versions not stated): 1000 Genomes Project 30x 0.08542; 1000 Genomes Project 0.08626; gnomAD 0.14182 and 0.14471; TOPMed 0.14812.
gnomAD v4.1: 21,795 of 152,216 alleles (14%); highest among the groups gnomAD compares: Non-Finnish European, 22%; 2,133 homozygotes.

Submission:

GeneDx
Classification: Benign. Last evaluated: 2018-06-14. Review status: criteria provided, single submitter. Criteria: GeneDx Variant Classification (06012015). Collection method: clinical testing. Allele origin: germline. Affected: yes.
Comment: This variant is considered likely benign or benign based on one or more of the following criteria: it is a conservative change, it occurs at a poorly conserved position in the protein, it is predicted to be benign by multiple in silico algorithms, and/or has population frequency not consistent with disease.

NM_015443.4(KANSL1):c.1533+176A>C

Gene: KANSL1 (KAT8 regulatory NSL complex subunit 1). Cytogenetic location: 17q21.31.
Variant type: single nucleotide variant.
Coding change: c.1533+176A>C on transcript NM_015443.4 (MANE Select); 176 bases into the intron after coding-DNA position 1533, A replaced by C.
Molecular consequence: intron variant.
Genome position (GRCh38, 1-based): chr17:46,082,265, T>G on the plus strand (A>C on the coding strand, the complement: KANSL1 is on the minus strand). VCF-style: chr17-46082265-T-G. GRCh37 (hg19) VCF-style: chr17-44159631-T-G.
Other names: c.1533+176A>C (NM_001193465.2, NM_001379198.1, NM_001193466.2).
Identifiers: ClinVar variation 670424 (VCV000670424.1), dbSNP rs111913701, ClinGen allele CA15895905.